The following is an entry in ClinVar:

ClinVar aggregate classification (germline): Conflicting classifications of pathogenicity. Review status: criteria provided, conflicting classifications (1 of 4 stars). 3 submissions from 3 submitters: Likely pathogenic (1); Uncertain significance (2). Last evaluated 2025-06-05.

Conditions:
Generalized epilepsy with febrile seizures plus, type 2 (GEFSP2). Also called: GEFS+, TYPE 2. Identifiers: Orphanet 36387, MedGen C1858673, MONDO:0011461, OMIM 604403.
Early-infantile DEE. Also called: Early infantile epileptic encephalopathy with suppression bursts; Early infantile epileptic encephalopathy; Ohtahara syndrome. Identifiers: Orphanet 1934, MedGen C0393706, MONDO:0800491.

Allele frequency attached by ClinVar (database versions not stated): gnomAD exomes below 0.00001; TOPMed below 0.00001.
gnomAD v4.1: 3 of 1,613,960 alleles (0.00019%); highest among the groups gnomAD compares: South Asian, 0.0022%; no homozygotes.

Submissions (3):

GeneDx
Classification: Uncertain significance. Last evaluated: 2025-06-05. Review status: criteria provided, single submitter. Criteria: GeneDx Variant Classification Process June 2021. Collection method: clinical testing. Allele origin: germline. Affected: yes.
Comment: Reported in an individual with epilepsy and/or a neurodevelopmental disorder (PMID: 29655203); Not observed at significant frequency in large population cohorts (gnomAD); In silico analysis supports that this missense variant has a deleterious effect on protein structure/function; This substitution is predicted to be within the C-terminal cytoplasmic domain; This variant is associated with the following publications: (PMID: 20600615, 29655203)

Labcorp Genetics (formerly Invitae), Labcorp
Classification: Likely pathogenic for Early-infantile DEE. Last evaluated: 2024-06-05. Review status: criteria provided, single submitter. Criteria: Invitae Variant Classification Sherloc (09022015). Collection method: clinical testing. Allele origin: germline.
Comment: This sequence change replaces glutamic acid, which is acidic and polar, with glutamine, which is neutral and polar, at codon 1795 of the SCN1A protein (p.Glu1795Gln). This variant is not present in population databases (gnomAD no frequency). This missense change has been observed in individual(s) with SCN1A-related conditions (PMID: 29655203). ClinVar contains an entry for this variant (Variation ID: 427075). Advanced modeling of protein sequence and biophysical properties (such as structural, functional, and spatial information, amino acid conservation, physicochemical variation, residue mobility, and thermodynamic stability) performed at Invitae indicates that this missense variant is expected to disrupt SCN1A protein function with a positive predictive value of 95%. This variant disrupts the p.Glu1795 amino acid residue in SCN1A. Other variant(s) that disrupt this residue have been determined to be pathogenic (PMID: 20600615; Invitae). This suggests that this residue is clinically significant, and that variants that disrupt this residue are likely to be disease-causing. In summary, the currently available evidence indicates that the variant is pathogenic, but additional data are needed to prove that conclusively. Therefore, this variant has been classified as Likely Pathogenic.

Baylor Genetics
Classification: Uncertain significance for Generalized epilepsy with febrile seizures plus, type 2. Last evaluated: 2019-06-21. Review status: criteria provided, single submitter. Criteria: ACMG Guidelines, 2015. Collection method: clinical testing. Allele origin: unknown. Affected: yes.
Comment: This variant was determined to be of uncertain significance according to ACMG Guidelines, 2015 [PMID:25741868].

Literature cited by the submitters: PubMed 29655203 (cited by Labcorp Genetics (formerly Invitae), Labcorp); PubMed 20600615 (cited by Labcorp Genetics (formerly Invitae), Labcorp).

NM_001165963.4(SCN1A):c.5383G>C (p.Glu1795Gln)

Genes: SCN1A (sodium voltage-gated channel alpha subunit 1; minus strand), LOC102724058 (uncharacterized LOC102724058; plus strand). Cytogenetic location: 2q24.3.
Variant type: single nucleotide variant.
Coding change: c.5383G>C on transcript NM_001165963.4 (MANE Select); coding-DNA position 5383, G replaced by C.
Protein change: p.Glu1795Gln; replaces glutamic acid 1795 with glutamine.
Molecular consequence: missense variant. On other transcripts: non-coding transcript variant (1).
Genome position (GRCh38, 1-based): chr2:165,991,892, C>G on the plus strand (G>C on the coding strand, the complement: SCN1A is on the minus strand). VCF-style: chr2-165991892-C-G. GRCh37 (hg19) VCF-style: chr2-166848402-C-G.
Other names: c.5383G>C, p.Glu1795Gln (NM_001202435.3, NM_001353948.2); c.5350G>C, p.Glu1784Gln (NM_001353950.2, NM_001353951.2, NM_001353952.2 and 2 more transcripts); c.5347G>C, p.Glu1783Gln (NM_001353954.2, NM_001353955.2); c.5299G>C, p.Glu1767Gln (NM_001165964.3, NM_001353957.2, NM_001353958.2); c.5296G>C, p.Glu1766Gln (NM_001353960.2); c.2941G>C, p.Glu981Gln (NM_001353961.2); short protein forms E1784Q, E1795Q, E1766Q, E1767Q, E1783Q, E981Q.
Identifiers: ClinVar variation 427075 (VCV000427075.7), dbSNP rs121918813, ClinGen allele CA349067875.